The following is an entry in ClinVar:

ClinVar aggregate classification (germline): Uncertain significance. Review status: criteria provided, multiple submitters, no conflicts (2 of 4 stars). 6 submissions from 5 submitters: Uncertain significance (6). Last evaluated 2025-11-27.

Conditions:
Catecholaminergic polymorphic ventricular tachycardia (CVPT). Also called: Catecholamine-induced polymorphic ventricular tachycardia. Identifiers: Orphanet 3286, MedGen C5574922, MONDO:0017990.
Cardiovascular phenotype. Identifiers: MedGen CN230736.
Catecholaminergic polymorphic ventricular tachycardia 1. Also called: RYR2-Related Catecholaminergic Polymorphic Ventricular Tachycardia; VENTRICULAR TACHYCARDIA, CATECHOLAMINERGIC POLYMORPHIC, 1, WITH OR WITHOUT ATRIAL DYSFUNCTION AND/OR DILATED CARDIOMYOPATHY; VENTRICULAR TACHYCARDIA, STRESS-INDUCED POLYMORPHIC 1. Identifiers: Orphanet 3286, MedGen C1631597, MONDO:0011484, OMIM 604772.
Arrhythmogenic right ventricular dysplasia 2. Identifiers: MedGen C1832931.
Cardiomyopathy (CMYO). Also called: Cardiomyopathies. Identifiers: Orphanet 167848, MedGen C0878544, MONDO:0004994, HP:0001638. Inheritance: Various modes of inheritance.

Allele frequency attached by ClinVar (database versions not stated): TOPMed 0.00003; 1000 Genomes Project 30x 0.00016.
gnomAD v4.1: 43 of 1,613,978 alleles (0.0027%); highest among the groups gnomAD compares: Non-Finnish European, 0.0033%; no homozygotes.

Submissions (6):

Labcorp Genetics (formerly Invitae), Labcorp
Classification: Uncertain significance for Catecholaminergic polymorphic ventricular tachycardia 1. Last evaluated: 2025-11-27. Review status: criteria provided, single submitter. Criteria: Invitae Variant Classification Sherloc (09022015). Collection method: clinical testing. Allele origin: germline.
Comment: This sequence change replaces arginine, which is basic and polar, with serine, which is neutral and polar, at codon 1718 of the RYR2 protein (p.Arg1718Ser). This variant is present in population databases (rs114534505, gnomAD 0.004%). This missense change has been observed in individual(s) with sudden cardiac arrest (internal data). ClinVar contains an entry for this variant (Variation ID: 874395). Invitae Evidence Modeling of protein sequence and biophysical properties (such as structural, functional, and spatial information, amino acid conservation, physicochemical variation, residue mobility, and thermodynamic stability) has been performed for this missense variant. However, the output from this modeling did not meet the statistical confidence thresholds required to predict the impact of this variant on RYR2 protein function. In summary, the available evidence is currently insufficient to determine the role of this variant in disease. Therefore, it has been classified as a Variant of Uncertain Significance.

Ambry Genetics
Classification: Uncertain significance for Cardiovascular phenotype. Last evaluated: 2024-09-30. Review status: criteria provided, single submitter. Criteria: Ambry Variant Classification Scheme 2023. Collection method: clinical testing. Allele origin: germline.
Comment: The p.R1718S variant (also known as c.5154G>C), located in coding exon 37 of the RYR2 gene, results from a G to C substitution at nucleotide position 5154. The arginine at codon 1718 is replaced by serine, an amino acid with dissimilar properties. This amino acid position is highly conserved in available vertebrate species. In addition, the in silico prediction for this alteration is inconclusive. Since supporting evidence is limited at this time, the clinical significance of this alteration remains unclear.

All of Us Research Program, National Institutes of Health
Classification: Uncertain significance for Catecholaminergic polymorphic ventricular tachycardia. Last evaluated: 2024-09-23. Review status: criteria provided, single submitter. Criteria: ACMG Guidelines, 2015. Collection method: clinical testing. Allele origin: germline. Inheritance: Autosomal dominant inheritance. Observed: 6 variant alleles, 6 heterozygotes.
Comment: This missense variant replaces arginine with serine at codon 1718 of the RYR2 protein. Computational prediction is inconclusive regarding the impact of this variant on protein structure and function (internally defined REVEL score threshold 0.5 < inconclusive < 0.7, PMID: 27666373). Splice site prediction tools suggest that this variant may not impact RNA splicing. To our knowledge, functional studies have not been performed for this variant. This variant has not been reported in individuals affected with cardiovascular disorders in the literature. This variant has been identified in 5/280420 chromosomes in the general population by the Genome Aggregation Database (gnomAD). The available evidence is insufficient to determine the role of this variant in disease conclusively. Therefore, this variant is classified as a Variant of Uncertain Significance.

This study involves interpretation of variants in research participants for the purpose of population health screening. Participant phenotype was not available at the time of variant classification. Additional details can be found in publication PMID: 35346344, PMCID: PMC8962531

Color Diagnostics, LLC DBA Color Health
Classification: Uncertain significance for Cardiomyopathy. Last evaluated: 2024-04-16. Review status: criteria provided, single submitter. Criteria: ACMG Guidelines, 2015. Collection method: clinical testing. Allele origin: germline.
Comment: This missense variant replaces arginine with serine at codon 1718 of the RYR2 protein. Computational prediction is inconclusive regarding the impact of this variant on protein structure and function. To our knowledge, functional studies have not been reported for this variant. This variant has been reported in an individual affected with sudden death (PMID: 32155531). This variant has been identified in 5/280420 chromosomes in the general population by the Genome Aggregation Database (gnomAD). The available evidence is insufficient to determine the role of this variant in disease conclusively. Therefore, this variant is classified as a Variant of Uncertain Significance.

Illumina Laboratory Services, Illumina
Classification: Uncertain significance for Catecholaminergic polymorphic ventricular tachycardia 1. Last evaluated: 2017-04-27. Review status: criteria provided, single submitter. Criteria: ICSL Variant Classification Criteria 13 December 2019. Collection method: clinical testing. Allele origin: germline.

Illumina Laboratory Services, Illumina
Classification: Uncertain significance for Catecholaminergic polymorphic ventricular tachycardia 1. Last evaluated: 2017-04-27. Review status: criteria provided, single submitter. Criteria: ICSL Variant Classification Criteria 13 December 2019. Collection method: clinical testing. Allele origin: germline.

Literature cited by the submitters: PubMed 32155531 (cited by Color Diagnostics, LLC DBA Color Health).

NM_001035.3(RYR2):c.5154G>C (p.Arg1718Ser)

Gene: RYR2 (ryanodine receptor 2; plus strand). Cytogenetic location: 1q43.
Variant type: single nucleotide variant.
Coding change: c.5154G>C on transcript NM_001035.3 (MANE Select); coding-DNA position 5154, G replaced by C.
Protein change: p.Arg1718Ser; replaces arginine 1718 with serine.
Molecular consequence: missense variant.
Genome position (GRCh38, 1-based): chr1:237,614,282, G>C. VCF-style: chr1-237614282-G-C. GRCh37 (hg19) VCF-style: chr1-237777582-G-C.
Other names: short protein forms R1718S.
Identifiers: ClinVar variation 874395 (VCV000874395.19), dbSNP rs114534505, ClinGen allele CA086839.
Genomic context (GRCh38, chr1:237,614,282, plus strand): 5'-GCGTGCTGGCTACTATGACCTGCTGATTGACATCCACCTGAGCTCCTATGCCACTGCCAG[G>C]CTCATGATGAACAACGAGTACATTGTCCCCATGACGGAGGAGACGAAGAGCATCACCCTG-3'
Protein context (NP_001026.2, residues 1708-1728): DIHLSSYATA[Arg1718Ser]LMMNNEYIVP